The following is an entry in ClinVar:

NM_002890.3(RASA1):c.157G>C (p.Val53Leu)

Gene: RASA1 (RAS p21 protein activator 1; plus strand). Cytogenetic location: 5q14.3.
Variant type: single nucleotide variant.
Coding change: c.157G>C on transcript NM_002890.3 (MANE Select); coding-DNA position 157, G replaced by C.
Protein change: p.Val53Leu; replaces valine 53 with leucine.
Molecular consequence: missense variant.
Genome position (GRCh38, 1-based): chr5:87,268,608, G>C. VCF-style: chr5-87268608-G-C. GRCh37 (hg19) VCF-style: chr5-86564425-G-C.
Other names: short protein forms V53L.
Identifiers: ClinVar variation 1420857 (VCV001420857.6), dbSNP rs2112222387, ClinGen allele CA360416882.

ClinVar aggregate classification (germline): Uncertain significance (1 of 4 stars; one submission).

Conditions:
Capillary malformation-arteriovenous malformation syndrome. Also called: Capillary malformation-arteriovenous malformation. Identifiers: Orphanet 137667, MedGen C1842180, MONDO:0012016.

Submission:

Labcorp Genetics (formerly Invitae), Labcorp
Classification: Uncertain significance for Capillary malformation-arteriovenous malformation syndrome. Last evaluated: 2024-12-18. Review status: criteria provided, single submitter. Criteria: Invitae Variant Classification Sherloc (09022015). Collection method: clinical testing. Allele origin: germline.
Comment: This sequence change replaces valine, which is neutral and non-polar, with leucine, which is neutral and non-polar, at codon 53 of the RASA1 protein (p.Val53Leu). This variant is not present in population databases (gnomAD no frequency). This variant has not been reported in the literature in individuals affected with RASA1-related conditions. ClinVar contains an entry for this variant (Variation ID: 1420857). An algorithm developed to predict the effect of missense changes on protein structure and function (PolyPhen-2) suggests that this variant is likely to be tolerated. In summary, the available evidence is currently insufficient to determine the role of this variant in disease. Therefore, it has been classified as a Variant of Uncertain Significance.